The following is an entry in ClinVar:

NM_001127198.5(TMC6):c.1840C>T (p.Pro614Ser)

Gene: TMC6 (transmembrane channel like 6; minus strand). Cytogenetic location: 17q25.3.
Variant type: single nucleotide variant.
Coding change: c.1840C>T on transcript NM_001127198.5 (MANE Select); coding-DNA position 1840, C replaced by T.
Protein change: p.Pro614Ser; replaces proline 614 with serine.
Molecular consequence: missense variant. On other transcripts: non-coding transcript variant (4).
Genome position (GRCh38, 1-based): chr17:78,119,018, G>A on the plus strand (C>T on the coding strand, the complement: TMC6 is on the minus strand). VCF-style: chr17-78119018-G-A. GRCh37 (hg19) VCF-style: chr17-76115099-G-A.
Other names: c.1840C>T, p.Pro614Ser (NM_001321185.1, NM_001374596.1, NM_001375353.1 and 2 more transcripts); c.1660C>T, p.Pro554Ser (NM_001374593.1, NM_001374594.1); short protein forms P554S, P614S.
Identifiers: ClinVar variation 1994451 (VCV001994451.4), dbSNP rs866852775, ClinGen allele CA294344674.

ClinVar aggregate classification (germline): Uncertain significance (1 of 4 stars; one submission).

Conditions:
Epidermodysplasia verruciformis. Identifiers: Orphanet 302, MedGen C0014522, MONDO:0009176.

Submission:

Labcorp Genetics (formerly Invitae), Labcorp
Classification: Uncertain significance for Epidermodysplasia verruciformis. Last evaluated: 2022-05-14. Review status: criteria provided, single submitter. Criteria: Invitae Variant Classification Sherloc (09022015). Collection method: clinical testing. Allele origin: germline.
Comment: In summary, the available evidence is currently insufficient to determine the role of this variant in disease. Therefore, it has been classified as a Variant of Uncertain Significance. Algorithms developed to predict the effect of missense changes on protein structure and function are either unavailable or do not agree on the potential impact of this missense change (SIFT: "Not Available"; PolyPhen-2: "Probably Damaging"; Align-GVGD: "Not Available"). This variant has not been reported in the literature in individuals affected with TMC6-related conditions. This variant is not present in population databases (gnomAD no frequency). This sequence change replaces proline, which is neutral and non-polar, with serine, which is neutral and polar, at codon 614 of the TMC6 protein (p.Pro614Ser).